The following is an entry in ClinVar:

ClinVar aggregate classification (germline): Uncertain significance (1 of 4 stars; one submission).

Conditions:
Kabuki syndrome 2 (KABUK2). Also called: KDM6A-Related Kabuki Syndrome. Identifiers: Orphanet 2322, MedGen C3275495, MONDO:0010465, OMIM 300867.

Submission:

Labcorp Genetics (formerly Invitae), Labcorp
Classification: Uncertain significance for Kabuki syndrome 2. Last evaluated: 2024-08-23. Review status: criteria provided, single submitter. Criteria: Invitae Variant Classification Sherloc (09022015). Collection method: clinical testing. Allele origin: germline.
Comment: This sequence change replaces serine, which is neutral and polar, with cysteine, which is neutral and slightly polar, at codon 781 of the KDM6A protein (p.Ser781Cys). This variant is not present in population databases (gnomAD no frequency). This variant has not been reported in the literature in individuals affected with KDM6A-related conditions. Invitae Evidence Modeling of protein sequence and biophysical properties (such as structural, functional, and spatial information, amino acid conservation, physicochemical variation, residue mobility, and thermodynamic stability) indicates that this missense variant is not expected to disrupt KDM6A protein function with a negative predictive value of 80%. In summary, the available evidence is currently insufficient to determine the role of this variant in disease. Therefore, it has been classified as a Variant of Uncertain Significance.

NM_001291415.2(KDM6A):c.2498C>G (p.Ser833Cys)

Gene: KDM6A (lysine demethylase 6A; plus strand). Cytogenetic location: Xp11.3.
Variant type: single nucleotide variant.
Coding change: c.2498C>G on transcript NM_001291415.2 (MANE Select); coding-DNA position 2498, C replaced by G.
Protein change: p.Ser833Cys; replaces serine 833 with cysteine.
Molecular consequence: missense variant. On other transcripts: non-coding transcript variant (1).
Genome position (GRCh38, 1-based): chrX:45,069,997, C>G. VCF-style: chrX-45069997-C-G. GRCh37 (hg19) VCF-style: chrX-44929242-C-G.
Other names: c.2363C>G, p.Ser788Cys (NM_001291416.2, NM_001419811.1); c.2207C>G, p.Ser736Cys (NM_001291417.2); c.2105C>G, p.Ser702Cys (NM_001291418.2, NM_001419815.1); c.1454C>G, p.Ser485Cys (NM_001291421.2); c.2240C>G, p.Ser747Cys (NM_001410742.1, NM_001419814.1); c.2498C>G, p.Ser833Cys (NM_001419809.1); c.2396C>G, p.Ser799Cys (NM_001419810.1, NM_001419813.1); c.2342C>G, p.Ser781Cys (NM_001419812.1, NM_021140.4); short protein forms S736C, S747C, S799C, S485C, S702C, S781C, S788C, S833C.
Identifiers: ClinVar variation 3726374 (VCV003726374.2).